The following is an entry in ClinVar:

ClinVar aggregate classification (germline): Uncertain significance. Review status: criteria provided, multiple submitters, no conflicts (2 of 4 stars). 2 submissions from 2 submitters: Uncertain significance (2). Last evaluated 2025-08-13.

Conditions:
AKR1C4-related disorder. Also called: AKR1C4-related condition.

gnomAD v4.1: 55 of 1,613,524 alleles (0.0034%); highest among the groups gnomAD compares: Non-Finnish European, 0.0045%; no homozygotes.

Submissions (2):

PreventionGenetics, part of Exact Sciences
Classification: Uncertain significance for AKR1C4-related condition. Last evaluated: 2025-08-13. Review status: criteria provided, single submitter. Criteria: ACMG Guidelines, 2015. Collection method: clinical testing. Allele origin: germline.
Comment: The AKR1C4 c.84G>A variant is not predicted to result in an amino acid change (p.=). This variant is predicted to alter splicing based on available splicing prediction software (SpliceAI, Jaganathan et al. 2019. PubMed ID: 30661751). However, the use of computer prediction software is not equivalent to functional evidence. To our knowledge, this variant has not been reported in the literature. This variant is reported in 0.00088% of alleles in individuals of European (Non-Finnish) descent in gnomAD. At this time, the clinical significance of this variant is uncertain due to the absence of conclusive functional and genetic evidence.

Labcorp Genetics (formerly Invitae), Labcorp
Classification: Uncertain significance. Last evaluated: 2024-12-11. Review status: criteria provided, single submitter. Criteria: Invitae Variant Classification Sherloc (09022015). Collection method: clinical testing. Allele origin: germline.
Comment: This sequence change affects codon 28 of the AKR1C4 mRNA. It is a 'silent' change, meaning that it does not change the encoded amino acid sequence of the AKR1C4 protein. This variant also falls at the last nucleotide of exon 1, which is part of the consensus splice site for this exon. This variant is present in population databases (no rsID available, gnomAD 0.0009%). This variant has not been reported in the literature in individuals affected with AKR1C4-related conditions. Variants that disrupt the consensus splice site are a relatively common cause of aberrant splicing (PMID: 17576681, 9536098). Algorithms developed to predict the effect of sequence changes on RNA splicing suggest that this variant may disrupt the consensus splice site. In summary, the available evidence is currently insufficient to determine the role of this variant in disease. Therefore, it has been classified as a Variant of Uncertain Significance.

Literature cited by the submitters: PubMed 17576681 (cited by Labcorp Genetics (formerly Invitae), Labcorp); PubMed 9536098 (cited by Labcorp Genetics (formerly Invitae), Labcorp).

NM_001818.5(AKR1C4):c.84G>A (p.Glu28=)

Gene: AKR1C4 (aldo-keto reductase family 1 member C4; plus strand). Cytogenetic location: 10p15.1.
Variant type: single nucleotide variant.
Coding change: c.84G>A on transcript NM_001818.5 (MANE Select); coding-DNA position 84, G replaced by A.
Protein change: p.Glu28=; no amino-acid change (glutamic acid 28 retained).
Molecular consequence: synonymous variant.
Genome position (GRCh38, 1-based): chr10:5,196,951, G>A. VCF-style: chr10-5196951-G-A. GRCh37 (hg19) VCF-style: chr10-5238914-G-A.
Other names: c.84G>A (NM_001818.3).
Identifiers: ClinVar variation 3709493 (VCV003709493.3).